The following is an entry in ClinVar:

NM_024675.4(PALB2):c.1166T>C (p.Leu389Pro)

Gene: PALB2 (partner and localizer of BRCA2; minus strand). Cytogenetic location: 16p12.2.
Variant type: single nucleotide variant.
Coding change: c.1166T>C on transcript NM_024675.4 (MANE Select); coding-DNA position 1166, T replaced by C.
Protein change: p.Leu389Pro; replaces leucine 389 with proline.
Molecular consequence: missense variant.
Genome position (GRCh38, 1-based): chr16:23,635,380, A>G on the plus strand (T>C on the coding strand, the complement: PALB2 is on the minus strand). VCF-style: chr16-23635380-A-G. GRCh37 (hg19) VCF-style: chr16-23646701-A-G.
Other names: short protein forms L389P.
Identifiers: ClinVar variation 575692 (VCV000575692.14), dbSNP rs1567221452, ClinGen allele CA395133452.

ClinVar aggregate classification (germline): Uncertain significance. Review status: criteria provided, multiple submitters, no conflicts (2 of 4 stars). 2 submissions from 2 submitters: Uncertain significance (2). Last evaluated 2022-06-13.

Conditions:
Hereditary cancer-predisposing syndrome. Also called: Tumor predisposition; Hereditary neoplastic syndrome; Hereditary Cancer Syndrome; Neoplastic Syndromes, Hereditary. Identifiers: Orphanet 140162, MedGen C0027672, MeSH D009386, MONDO:0015356.
Familial cancer of breast. Also called: hereditary breast carcinoma; BREAST CANCER, FAMILIAL; Hereditary breast cancer. Identifiers: Orphanet 227535, MedGen C0346153, MONDO:0016419, OMIM 114480. Disease mechanism: loss of function.

Submissions (2):

Labcorp Genetics (formerly Invitae), Labcorp
Classification: Uncertain significance for Familial cancer of breast. Last evaluated: 2022-06-13. Review status: criteria provided, single submitter. Criteria: Invitae Variant Classification Sherloc (09022015). Collection method: clinical testing. Allele origin: germline.
Comment: This sequence change replaces leucine, which is neutral and non-polar, with proline, which is neutral and non-polar, at codon 389 of the PALB2 protein (p.Leu389Pro). This variant is not present in population databases (gnomAD no frequency). This variant has not been reported in the literature in individuals affected with PALB2-related conditions. ClinVar contains an entry for this variant (Variation ID: 575692). Algorithms developed to predict the effect of missense changes on protein structure and function output the following: SIFT: "Tolerated"; PolyPhen-2: "Benign"; Align-GVGD: "Class C0". The proline amino acid residue is found in multiple mammalian species, which suggests that this missense change does not adversely affect protein function. In summary, the available evidence is currently insufficient to determine the role of this variant in disease. Therefore, it has been classified as a Variant of Uncertain Significance.

Ambry Genetics
Classification: Uncertain significance for Hereditary cancer-predisposing syndrome. Last evaluated: 2018-06-19. Review status: criteria provided, single submitter. Criteria: Ambry Variant Classification Scheme 2023. Collection method: clinical testing. Allele origin: germline.
Comment: The p.L389P variant (also known as c.1166T>C), located in coding exon 4 of the PALB2 gene, results from a T to C substitution at nucleotide position 1166. The leucine at codon 389 is replaced by proline, an amino acid with similar properties. This amino acid position is poorly conserved in available vertebrate species. In addition, this alteration is predicted to be tolerated by in silico analysis. Since supporting evidence is limited at this time, the clinical significance of this alteration remains unclear.